The following is an entry in ClinVar:

NM_001010892.3(RSPH4A):c.-17_-16insCACGCCCCT

Genes: RSPH4A (radial spoke head component 4A; plus strand), LOC129997051 (ATAC-STARR-seq lymphoblastoid active region 24997; plus strand). Cytogenetic location: 6q22.1.
Variant type: Insertion.
Coding change: c.-17_-16insCACGCCCCT on transcript NM_001010892.3 (MANE Select); 17 bases upstream of the start codon through 16 bases upstream of the start codon, CACGCCCCT inserted.
Molecular consequence: 5 prime UTR variant.
Genome position: GRCh38 VCF-style: chr6-116616606-T-TTCACGCCCC. GRCh37 (hg19) VCF-style: chr6-116937769-T-TTCACGCCCC.
Other names: c.-17_-16insCACGCCCCT (NM_001161664.2, NM_001010892.2).
Identifiers: ClinVar variation 1706787 (VCV001706787.4), dbSNP rs534111713, ClinGen allele CA3970679.
Genomic context (GRCh38, chr6:116,616,606, plus strand): 5'-AGTAACTTAACTGAGTTGCCTTCTTCCATATTTTCACGCCCCTTTCATCCAGAACATTTT[T>TTCACGCCCC]TTTCTTGAACTGCTTCCATGGAGGACTCAACCTCCCCGAAGCAAGAAAAAGAAAACCAAG-3'

ClinVar aggregate classification (germline): Conflicting classifications of pathogenicity. Review status: criteria provided, conflicting classifications (1 of 4 stars). 3 submissions from 3 submitters: Uncertain significance (1); Likely benign (2). Last evaluated 2024-10-18.

Conditions:
Primary ciliary dyskinesia. Also called: Ciliary dyskinesia. Identifiers: Orphanet 244, MedGen C0008780, MONDO:0016575, HP:0012265.

Submissions (3):

Blueprint Genetics
Classification: Likely benign. Last evaluated: 2024-10-18. Review status: criteria provided, single submitter. Criteria: ACMG Guidelines, 2015. Collection method: clinical testing. Allele origin: germline.

GeneDx
Classification: Likely benign. Last evaluated: 2020-07-11. Review status: criteria provided, single submitter. Criteria: GeneDx Variant Classification Process June 2021. Collection method: clinical testing. Allele origin: germline. Affected: yes.
Comment: See Variant Classification Assertion Criteria.

Ambry Genetics
Classification: Uncertain significance for Primary ciliary dyskinesia. Last evaluated: 2015-08-26. Review status: criteria provided, single submitter. Criteria: Ambry Variant Classification Scheme 2023. Collection method: clinical testing. Allele origin: germline.
Comment: Based on insufficient or conflicting evidence, the clinical significance of this alteration remains unclear.